The following is an entry in ClinVar:

ClinVar aggregate classification (germline): Benign. Review status: criteria provided, multiple submitters, no conflicts (2 of 4 stars). 3 submissions from 3 submitters: Benign (2). 1 of the submissions does not count toward it. Last evaluated 2023-11-10.

Conditions:
RAI1-related disorder. Also called: RAI1-related condition.

Allele frequency attached by ClinVar (database versions not stated): TOPMed 0.00001; gnomAD 0.00032.
gnomAD v4.1: 146 of 1,613,940 alleles (0.009%); highest among the groups gnomAD compares: East Asian, 0.0045%; 1 homozygote.

Submissions (3):

Labcorp Genetics (formerly Invitae), Labcorp
Classification: Benign. Last evaluated: 2023-11-10. Review status: criteria provided, single submitter. Criteria: Invitae Variant Classification Sherloc (09022015). Collection method: clinical testing. Allele origin: germline.

Athena Diagnostics
Classification: Benign. Last evaluated: 2017-11-20. Review status: criteria provided, single submitter. Criteria: Athena Diagnostics Criteria. Collection method: clinical testing. Allele origin: germline.

PreventionGenetics, part of Exact Sciences
Classification: Likely benign for RAI1-related condition. Last evaluated: 2024-04-13. Review status: no assertion criteria provided. Collection method: clinical testing. Allele origin: germline. Not counted in ClinVar's aggregate classification.
Comment: This variant is classified as likely benign based on ACMG/AMP sequence variant interpretation guidelines (Richards et al. 2015 PMID: 25741868, with internal and published modifications).

NM_030665.4(RAI1):c.5079G>A (p.Pro1693=)

Gene: RAI1 (retinoic acid induced 1; plus strand). Cytogenetic location: 17p11.2.
Variant type: single nucleotide variant.
Coding change: c.5079G>A on transcript NM_030665.4 (MANE Select); coding-DNA position 5079, G replaced by A.
Protein change: p.Pro1693=; no amino-acid change (proline 1693 retained).
Molecular consequence: synonymous variant.
Genome position (GRCh38, 1-based): chr17:17,798,027, G>A. VCF-style: chr17-17798027-G-A. GRCh37 (hg19) VCF-style: chr17-17701341-G-A.
Identifiers: ClinVar variation 586400 (VCV000586400.11), dbSNP rs748845443, ClinGen allele CA8419091.